The following is an entry in ClinVar:

ClinVar aggregate classification (germline): Uncertain significance. Review status: criteria provided, multiple submitters, no conflicts (2 of 4 stars). 4 submissions from 4 submitters: Uncertain significance (4). Last evaluated 2024-10-16.

Conditions:
SEPN1-related disorder. Also called: SEPN1-Related Disorders. Identifiers: MedGen CN239420.
Inborn genetic diseases. Identifiers: MedGen C0950123, MeSH D030342.
Eichsfeld type congenital muscular dystrophy (CMYO3). Also called: MYOPATHY, SEPN1-RELATED; Rigid spine muscular dystrophy 1; SELENON-related myopathy; Congenital myopathy 3 with rigid spine. Identifiers: MedGen C0410180, MONDO:0100100, OMIM 602771.

Allele frequency attached by ClinVar (database versions not stated): gnomAD exomes 0.00003 and 0.00004; ExAC 0.00006; TOPMed 0.00010; gnomAD 0.00016 and 0.00018; 1000 Genomes Project 0.00020; 1000 Genomes Project 30x 0.00031.
gnomAD v4.1: 68 of 1,613,904 alleles (0.0042%); highest among the groups gnomAD compares: East Asian, 0.085%; 1 homozygote.

Submissions (4):

Women's Health and Genetics/Laboratory Corporation of America, LabCorp
Classification: Uncertain significance. Last evaluated: 2024-10-16. Review status: criteria provided, single submitter. Criteria: LabCorp Variant Classification Summary - May 2015. Collection method: clinical testing. Allele origin: germline.
Comment: Variant summary: SELENON c.980G>A (p.Arg327His) results in a non-conservative amino acid change in the encoded protein sequence. Four of five in-silico tools predict a damaging effect of the variant on protein function. The variant allele was found at a frequency of 4.4e-05 in 249394 control chromosomes. This frequency is not significantly higher than estimated for a pathogenic variant in SELENON causing Eichsfeld Type Congenital Muscular Dystrophy (4.4e-05 vs 0.0011), allowing no conclusion about variant significance. To our knowledge, no occurrence of c.980G>A in individuals affected with Eichsfeld Type Congenital Muscular Dystrophy and no experimental evidence demonstrating its impact on protein function have been reported. ClinVar contains an entry for this variant (Variation ID: 875311). Based on the evidence outlined above, the variant was classified as uncertain significance.

Ambry Genetics
Classification: Uncertain significance for Inborn genetic diseases. Last evaluated: 2024-09-08. Review status: criteria provided, single submitter. Criteria: Ambry Variant Classification Scheme 2023. Collection method: clinical testing. Allele origin: germline.

Labcorp Genetics (formerly Invitae), Labcorp
Classification: Uncertain significance for Eichsfeld type congenital muscular dystrophy. Last evaluated: 2022-08-09. Review status: criteria provided, single submitter. Criteria: Invitae Variant Classification Sherloc (09022015). Collection method: clinical testing. Allele origin: germline.
Comment: This sequence change replaces arginine, which is basic and polar, with histidine, which is basic and polar, at codon 327 of the SELENON protein (p.Arg327His). This variant is present in population databases (rs556232275, gnomAD 0.06%). This variant has not been reported in the literature in individuals affected with SELENON-related conditions. ClinVar contains an entry for this variant (Variation ID: 875311). Algorithms developed to predict the effect of missense changes on protein structure and function are either unavailable or do not agree on the potential impact of this missense change (SIFT: "Deleterious"; PolyPhen-2: "Benign"; Align-GVGD: "Class C0"). In summary, the available evidence is currently insufficient to determine the role of this variant in disease. Therefore, it has been classified as a Variant of Uncertain Significance.

Illumina Laboratory Services, Illumina
Classification: Uncertain significance for SEPN1-Related Disorders. Last evaluated: 2018-01-12. Review status: criteria provided, single submitter. Criteria: ICSL Variant Classification Criteria 13 December 2019. Collection method: clinical testing. Allele origin: germline.

NM_206926.2(SELENON):c.878G>A (p.Arg293His)

Gene: SELENON (selenoprotein N; plus strand). Cytogenetic location: 1p36.11.
Variant type: single nucleotide variant.
Coding change: c.878G>A on transcript NM_206926.2 (MANE Select); coding-DNA position 878, G replaced by A.
Protein change: p.Arg293His; replaces arginine 293 with histidine.
Molecular consequence: missense variant.
Genome position (GRCh38, 1-based): chr1:25,809,790, G>A. VCF-style: chr1-25809790-G-A. GRCh37 (hg19) VCF-style: chr1-26136281-G-A.
Other names: c.980G>A, p.Arg327His (NM_020451.3); short protein forms R293H, R327H.
Identifiers: ClinVar variation 875311 (VCV000875311.10), dbSNP rs556232275, ClinGen allele CA696701.